The following is an entry in ClinVar:

NM_000179.3(MSH6):c.3969_4001+52dup

Gene: MSH6 (mutS homolog 6; plus strand). Cytogenetic location: 2p16.3.
Variant type: Duplication.
Coding change: c.3969_4001+52dup on transcript NM_000179.3 (MANE Select); coding-DNA position 3969 through 52 bases into the intron after coding-DNA position 4001, 85 bases duplicated.
Molecular consequence: splice donor variant.
Genome position (GRCh38, 1-based): chr2:47,806,619-47,806,703, 85 bases duplicated. GRCh37 (hg19): chr2:48,033,758-48,033,842.
Other names: c.3063_3095+52dup (NM_001281493.2, NM_001281494.2); c.3579_3611+52dup (NM_001281492.2); c.3969_4001+52dupTGAGAAGATGAATCAGTCACTACGATTATTTCGGTAACTAACTAACTATAATGGAATTATAACTAACTGACCTTAAGTTTCAAAG (NM_000179.2).
Identifiers: ClinVar variation 219946 (VCV000219946.17), dbSNP rs1553333718, ClinGen allele CA348877.

ClinVar aggregate classification (germline): Conflicting classifications of pathogenicity. Review status: criteria provided, conflicting classifications (1 of 4 stars). 6 submissions from 5 submitters: Uncertain significance (4); Benign (1); Likely benign (1). Last evaluated 2025-07-24.

Conditions:
Hereditary nonpolyposis colorectal neoplasms. Identifiers: MedGen C0009405, MeSH D003123.
Hereditary cancer-predisposing syndrome. Also called: Hereditary neoplastic syndrome; Tumor predisposition; Hereditary Cancer Syndrome; Neoplastic Syndromes, Hereditary. Identifiers: Orphanet 140162, MedGen C0027672, MeSH D009386, MONDO:0015356.
Lynch syndrome. Identifiers: Orphanet 144, MedGen C4552100, MONDO:0005835. Disease mechanism: loss of function.
Lynch syndrome 5 (LYNCH5). Also called: Colorectal cancer, hereditary nonpolyposis, type 5; Hereditary non-polyposis colorectal cancer, type 5. Identifiers: Orphanet 144, MedGen C1833477, MONDO:0013710, OMIM 614350. Disease mechanism: loss of function.

Allele frequency attached by ClinVar (database versions not stated): gnomAD exomes 0.00002.

Submissions (6):

Quest Diagnostics Nichols Institute San Juan Capistrano
Classification: Uncertain significance. Last evaluated: 2025-07-24. Review status: criteria provided, single submitter. Criteria: Quest Diagnostics criteria. Collection method: clinical testing. Allele origin: unknown.
Comment: The MSH6 c.3969_4001+52dup variant has not been reported in individuals with MSH6-related conditions in the published literature. It also has not been reported in large, multi-ethnic general populations (Genome Aggregation Database). Analysis of this variant using software algorithms for the prediction of the effect of nucleotide changes on splicing yielded predictions that this variant does not affect MSH6 mRNA splicing. However, this variant may result in the gain of a cryptic splice site without affecting the natural splice sites. Based on the available information, we are unable to determine the clinical significance of this variant.

Color Diagnostics, LLC DBA Color Health
Classification: Uncertain significance for Hereditary cancer-predisposing syndrome. Last evaluated: 2025-02-18. Review status: criteria provided, single submitter. Criteria: ACMG Guidelines, 2015. Collection method: clinical testing. Allele origin: germline.
Comment: This variant creates an in-tandem duplication, encompassing the last 33 nucleotides of exon 9 and the first 52 nucleotides of intron 9 in the MSH6 gene. While this duplication does not directly disrupt the coding sequence of this gene, it creates a duplicate intron 9 splice donor site. To our knowledge, functional studies have not been reported for this variant. A similar duplication (c.3969_4001+51dup) has been reported in an individual affected with colorectal cancer whose tumor exhibited mismatch repair deficient characteristics (PMID: 14871975). This variant has not been identified in the general population by the Genome Aggregation Database (gnomAD). The available evidence is insufficient to determine the role of this variant in disease conclusively. Therefore, this variant is classified as a Variant of Uncertain Significance.

Myriad Genetics, Inc.
Classification: Benign for Lynch syndrome 5. Last evaluated: 2025-01-09. Review status: criteria provided, single submitter. Criteria: Myriad Autosomal Dominant, Autosomal Recessive and X-Linked Classification Criteria (2023). Collection method: clinical testing. Allele origin: unknown.
Comment: This variant is considered benign. This variant is intronic and is not expected to impact mRNA splicing.

Ambry Genetics
Classification: Likely benign for Hereditary cancer-predisposing syndrome. Last evaluated: 2020-12-18. Review status: criteria provided, single submitter. Criteria: Ambry Variant Classification Scheme 2023. Collection method: clinical testing. Allele origin: germline.

Labcorp Genetics (formerly Invitae), Labcorp
Classification: Uncertain significance for Hereditary nonpolyposis colorectal neoplasms. Last evaluated: 2015-08-25. Review status: criteria provided, single submitter. Criteria: Invitae Variant Classification Sherloc (09022015). Collection method: clinical testing. Allele origin: germline.
Comment: This sequence change is a tandem duplication of 85 nucleotides in exon 9 of the MSH6 mRNA (c.3969_4001+52dup). This duplication includes the 3' end of exon 9. The impact of this duplication on both MSH6 mRNA processing and protein function is unknown. This variant is not present in population databases and has not been reported in the literature. Algorithms developed to predict the effect of nucleotide changes on mRNA splicing suggest that while this duplication is not predicted to alter the consensus splice site in intron 9, it is predicted to create 2 novel splice sites downstream of the consensus splice site that if used, will create premature translation stop codon that resulting in a truncated MSH6 protein. In the absence of transcriptional studies, it is not known if these additional site actually impact MSH6 mRNA. In summary, this is a novel variant with uncertain impact on splicing. It has been classified as a Variant of Uncertain Significance.

Labcorp Genetics (formerly Invitae), Labcorp
Classification: Uncertain significance for Hereditary nonpolyposis colorectal neoplasms. Last evaluated: 2015-08-25. Review status: criteria provided, single submitter. Criteria: Invitae Variant Classification Sherloc (09022015). Collection method: clinical testing. Allele origin: germline.
Comment: Algorithms developed to predict the effect of nucleotide changes on mRNA splicing suggest that while this duplication is not predicted to alter the consensus splice site in intron 9, it is predicted to create 2 novel splice sites downstream of the consensus splice site that if used, will create premature translation stop codon that resulting in a truncated MSH6 protein. In the absence of transcriptional studies, it is not known if these additional site actually impact MSH6 mRNA. In summary, this is a novel variant with uncertain impact on splicing. It has been classified as a Variant of Uncertain Significance. This variant is not present in population databases and has not been reported in the literature. This sequence change is a tandem duplication of 85 nucleotides in exon 9 of the MSH6 mRNA (c.3969_4001+52dup). This duplication includes the 3' end of exon 9. The impact of this duplication on both MSH6 mRNA processing and protein function is unknown.

Literature cited by the submitters: PubMed 14871975 (cited by Color Diagnostics, LLC DBA Color Health).